The following is an entry in ClinVar:

NM_001042492.3(NF1):c.655-20_655-19del

Gene: NF1 (neurofibromin 1; plus strand). Cytogenetic location: 17q11.2.
Variant type: Deletion.
Coding change: c.655-20_655-19del on transcript NM_001042492.3 (MANE Select); 20 bases into the intron before coding-DNA position 655 through 19 bases into the intron before coding-DNA position 655, 2 bases deleted (AT; older notation c.655-20_655-19delAT).
Molecular consequence: intron variant.
Genome position (GRCh38, 1-based): chr17:31,181,690-31,181,691, AT deleted. VCF-style (leftmost placement, unchanged base first): chr17-31181689-CAT-C. GRCh37 (hg19) VCF-style: chr17-29508707-CAT-C.
Other names: c.655-20_655-19del (NM_000267.4, NM_001128147.3).
Identifiers: ClinVar variation 4876131 (VCV004876131.2).

ClinVar aggregate classification (germline): Likely benign. Review status: criteria provided, multiple submitters, no conflicts (2 of 4 stars). 2 submissions from 2 submitters: Likely benign (2). Last evaluated 2026-05-11.

Conditions:
Neurofibromatosis, type 1 (NF1). Also called: Peripheral type neurofibromatosis; Neurofibromatosis, type I; VON RECKLINGHAUSEN DISEASE; NEUROFIBROMATOSIS, TYPE I, SOMATIC. Identifiers: Orphanet 636, MedGen C0027831, MONDO:0018975, OMIM 162200. Disease mechanism: loss of function.

Submissions (2):

Myriad Genetics, Inc.
Classification: Likely benign for Neurofibromatosis, type 1. Last evaluated: 2026-05-11. Review status: criteria provided, single submitter. Criteria: Myriad Autosomal Dominant, Autosomal Recessive and X-Linked Classification Criteria (2023). Collection method: clinical testing. Allele origin: unknown.
Comment: This variant is considered likely benign. This variant is intronic and is not expected to impact mRNA splicing.

Blueprint Genetics
Classification: Likely benign. Last evaluated: 2024-11-21. Review status: criteria provided, single submitter. Criteria: ACMG Guidelines, 2015. Collection method: clinical testing. Allele origin: germline.